The following is an entry in ClinVar:

NM_002047.4(GARS1):c.302G>A (p.Arg101His)

Gene: GARS1 (glycyl-tRNA synthetase 1; plus strand). Cytogenetic location: 7p14.3.
Variant type: single nucleotide variant.
Coding change: c.302G>A on transcript NM_002047.4 (MANE Select); coding-DNA position 302, G replaced by A.
Protein change: p.Arg101His; replaces arginine 101 with histidine.
Molecular consequence: missense variant.
Genome position (GRCh38, 1-based): chr7:30,598,875, G>A. VCF-style: chr7-30598875-G-A. GRCh37 (hg19) VCF-style: chr7-30638491-G-A.
Other names: p.Arg101His; c.302G>A (LRG_243t1, NM_002047.3); c.140G>A, p.Arg47His (NM_001316772.1); short protein forms R101H, R47H.
Identifiers: ClinVar variation 245685 (VCV000245685.53), dbSNP rs200887429, ClinGen allele CA4205644.
Genomic context (GRCh38, chr7:30,598,875, plus strand): 5'-TCAAAGAAGATAAAGCACCCCAAGTAGACGTAGACAAAGCAGTGGCTGAGCTCAAAGCCC[G>A]CAAGAGGGTTCTGGAAGCAAAGGTGAGTCCTGGGATGCTAAAATAGGAACATAAGTAGGT-3'
Protein context (NP_002038.2, residues 91-111): VDKAVAELKA[Arg101His]KRVLEAKELA

ClinVar aggregate classification (germline): Conflicting classifications of pathogenicity. Review status: criteria provided, conflicting classifications (1 of 4 stars). 11 submissions from 9 submitters: Uncertain significance (3); Benign (2); Likely benign (6). Last evaluated 2026-01-28.

Conditions:
GARS1-related disorder. Also called: GARS1-related condition.
Distal spinal muscular atrophy. Also called: Distal hereditary motor neuronopathy; Distal hereditary motor neuropathy. Identifiers: Orphanet 53739, MedGen C0393541, MONDO:0018894.
Charcot-Marie-Tooth disease type 2D (CMT2D). Also called: CHARCOT-MARIE-TOOTH DISEASE, AXONAL, TYPE 2D; Charcot-Marie-Tooth Neuropathy Type 2D; CHARCOT-MARIE-TOOTH DISEASE, NEURONAL, TYPE 2D; GARS1 Adolescent- or Early Adult-Onset Hereditary Motor/Sensory Neuropathy (GARS1-HMSN). Identifiers: Orphanet 99938, MedGen C1832274, MONDO:0011091, OMIM 601472.
Neuronopathy, distal hereditary motor, type 5A (HMND5). Also called: DHMN VA; Distal Spinal Muscular Atrophy V; Distal Spinal Muscular Atrophy V (dSMA-V); NEURONOPATHY, DISTAL HEREDITARY MOTOR, AUTOSOMAL DOMINANT 5. Identifiers: Orphanet 139536, MedGen CN031873, MONDO:0015353, OMIM 600794.
Charcot-Marie-Tooth disease type 2. Also called: Charcot-Marie-Tooth type 2. Identifiers: Orphanet 64746, MedGen C0270914, MONDO:0018993.

Allele frequency attached by ClinVar (database versions not stated): 1000 Genomes Project 30x 0.00016; ESP Exome Variant Server 0.00017; 1000 Genomes Project 0.00020; gnomAD 0.00022 and 0.00024; TOPMed 0.00028; ExAC 0.00039.
gnomAD v4.1: 437 of 1,613,978 alleles (0.027%); highest among the groups gnomAD compares: Admixed American, 0.038%; no homozygotes.

Submissions (11):

Labcorp Genetics (formerly Invitae), Labcorp
Classification: Likely benign for Charcot-Marie-Tooth disease type 2. Last evaluated: 2026-01-28. Review status: criteria provided, single submitter. Criteria: Invitae Variant Classification Sherloc (09022015). Collection method: clinical testing. Allele origin: germline.

PreventionGenetics, part of Exact Sciences
Classification: Likely benign for GARS1-related condition. Last evaluated: 2025-08-15. Review status: criteria provided, single submitter. Criteria: ACMG Guidelines, 2015. Collection method: clinical testing. Allele origin: germline.
Comment: This variant is classified as likely benign based on ACMG/AMP sequence variant interpretation guidelines (Richards et al. 2015 PMID: 25741868, with internal and published modifications).

CeGaT Center for Human Genetics Tuebingen
Classification: Likely benign. Last evaluated: 2025-04-01. Review status: criteria provided, single submitter. Criteria: CeGaT Center For Human Genetics Tuebingen Variant Classification Criteria Version 2. Collection method: clinical testing. Allele origin: germline. Affected: yes. Observed: 7 variant alleles.
Comment: GARS1: BS2

Blueprint Genetics
Classification: Likely benign. Last evaluated: 2024-10-11. Review status: criteria provided, single submitter. Criteria: ACMG Guidelines, 2015. Collection method: clinical testing. Allele origin: germline.

Women's Health and Genetics/Laboratory Corporation of America, LabCorp
Classification: Uncertain significance. Last evaluated: 2024-03-21. Review status: criteria provided, single submitter. Criteria: LabCorp Variant Classification Summary - May 2015. Collection method: clinical testing. Allele origin: germline.
Comment: Variant summary: GARS1 c.302G>A (p.Arg101His) results in a non-conservative amino acid change located in the WHEP-TRS domain (IPR000738) of the encoded protein sequence. Three of five in-silico tools predict a damaging effect of the variant on protein function. The variant allele was found at a frequency of 0.00031 in 280760 control chromosomes (gnomAD). The available data on variant occurrences in the general population are insufficient to allow any conclusion about variant significance. c.302G>A has been reported in the literature in individuals affected with neuropathy, CMT, or ALS without strong evidence of causality (e.g. Antoniadi_2015, Apellaniz-Ruiz_2017, Pensato_2020, Volodarsky_2021, Nam_2022). These reports do not provide unequivocal conclusions about association of the variant with GARS1-Related Disorders. At least one publication reports experimental evidence evaluating an impact on protein function, finding that the variant does not result in aberrant GlyRS-HDAC6 interaction (Mo_2018). The following publications have been ascertained in the context of this evaluation (PMID: 26392352, 27582484, 29520015, 32028661, 32376792, 34813128). ClinVar contains an entry for this variant (Variation ID: 245685). Based on the evidence outlined above, the variant was classified as uncertain significance.

Ambry Genetics
Classification: Likely benign. Last evaluated: 2023-04-17. Review status: criteria provided, single submitter. Criteria: Ambry Variant Classification Scheme 2023. Collection method: clinical testing. Allele origin: germline.

GeneDx
Classification: Uncertain significance. Last evaluated: 2022-11-17. Review status: criteria provided, single submitter. Criteria: GeneDx Variant Classification Process June 2021. Collection method: clinical testing. Allele origin: germline. Affected: yes.
Comment: Reported as a variant of unknown significance in individuals tested by an outside laboratory suspected of having Charcot-Marie-Tooth disease (DiVincenzo et al., 2014; Nam et al., 2021; Volodarsky et al., 2021); Identified previously in the heterozygous state in two individuals with neuropathy (Antoniadi et al., 2015; Apellniz-Ruiz et al., 2017); In silico analysis supports that this missense variant has a deleterious effect on protein structure/function; This variant is associated with the following publications: (PMID: 27582484, 28166811, 34813128, 32028661, 34426522, 29520015, 32376792, 25614874, 26392352)

Mayo Clinic Laboratories, Mayo Clinic
Classification: Uncertain significance. Last evaluated: 2021-12-29. Review status: criteria provided, single submitter. Criteria: ACMG Guidelines, 2015. Collection method: clinical testing. Allele origin: germline.

Illumina Laboratory Services, Illumina
Classification: Likely benign for Charcot-Marie-Tooth disease type 2D. Last evaluated: 2018-01-13. Review status: criteria provided, single submitter. Criteria: ICSL Variant Classification Criteria 13 December 2019. Collection method: clinical testing. Allele origin: germline.
Comment: This variant was observed in the ICSL laboratory as part of a predisposition screen in an ostensibly healthy population. It had not been previously curated by ICSL or reported in the Human Gene Mutation Database (HGMD: prior to June 1st, 2018), and was therefore a candidate for classification through an automated scoring system. Utilizing variant allele frequency, disease prevalence and penetrance estimates, and inheritance mode, an automated score was calculated to assess if this variant is too frequent to cause the disease. Based on the score and internal cut-off values, a variant classified as likely benign is not then subjected to further curation. The score for this variant resulted in a classification of likely benign for this disease.

Illumina Laboratory Services, Illumina
Classification: Benign for Distal Spinal Muscular Atrophy. Last evaluated: 2018-01-13. Review status: criteria provided, single submitter. Criteria: ICSL Variant Classification Criteria 13 December 2019. Collection method: clinical testing. Allele origin: germline.
Comment: This variant was observed in the ICSL laboratory as part of a predisposition screen in an ostensibly healthy population. It had not been previously curated by ICSL or reported in the Human Gene Mutation Database (HGMD: prior to June 1st, 2018), and was therefore a candidate for classification through an automated scoring system. Utilizing variant allele frequency, disease prevalence and penetrance estimates, and inheritance mode, an automated score was calculated to assess if this variant is too frequent to cause the disease. Based on the score and internal cut-off values, a variant classified as benign is not then subjected to further curation. The score for this variant resulted in a classification of benign for this disease.

Illumina Laboratory Services, Illumina
Classification: Benign for Distal hereditary motor neuronopathy type 5. Last evaluated: 2018-01-13. Review status: criteria provided, single submitter. Criteria: ICSL Variant Classification Criteria 13 December 2019. Collection method: clinical testing. Allele origin: germline.
Comment: the same text as in the submission from Illumina Laboratory Services, Illumina above.

Literature cited by the submitters: PubMed 26392352 (cited by Women's Health and Genetics/Laboratory Corporation of America, LabCorp); PubMed 27582484 (cited by Women's Health and Genetics/Laboratory Corporation of America, LabCorp); PubMed 32376792 (cited by Women's Health and Genetics/Laboratory Corporation of America, LabCorp); PubMed 32028661 (cited by Women's Health and Genetics/Laboratory Corporation of America, LabCorp); PubMed 34813128 (cited by Women's Health and Genetics/Laboratory Corporation of America, LabCorp); PubMed 29520015 (cited by Women's Health and Genetics/Laboratory Corporation of America, LabCorp).